The following is an entry in ClinVar:

ClinVar aggregate classification (germline): Uncertain significance. Review status: criteria provided, multiple submitters, no conflicts (2 of 4 stars). 3 submissions from 3 submitters: Uncertain significance (3). Last evaluated 2025-12-30.

Conditions:
Inborn genetic diseases. Identifiers: MedGen C0950123, MeSH D030342.

Allele frequency attached by ClinVar (database versions not stated): gnomAD 0.00006; gnomAD exomes 0.00006; TOPMed 0.00009; ExAC 0.00026.

Submissions (3):

Labcorp Genetics (formerly Invitae), Labcorp
Classification: Uncertain significance. Last evaluated: 2025-12-30. Review status: criteria provided, single submitter. Criteria: Invitae Variant Classification Sherloc (09022015). Collection method: clinical testing. Allele origin: germline.
Comment: This sequence change replaces proline, which is neutral and non-polar, with leucine, which is neutral and non-polar, at codon 596 of the CSF2RB protein (p.Pro596Leu). This variant is present in population databases (rs183147496, gnomAD 0.07%), and has an allele count higher than expected for a pathogenic variant. This variant has not been reported in the literature in individuals affected with CSF2RB-related conditions. ClinVar contains an entry for this variant (Variation ID: 2168882). Invitae Evidence Modeling of protein sequence and biophysical properties (such as structural, functional, and spatial information, amino acid conservation, physicochemical variation, residue mobility, and thermodynamic stability) indicates that this missense variant is not expected to disrupt CSF2RB protein function with a negative predictive value of 80%. In summary, the available evidence is currently insufficient to determine the role of this variant in disease. Therefore, it has been classified as a Variant of Uncertain Significance.

Ambry Genetics
Classification: Uncertain significance for Inborn genetic diseases. Last evaluated: 2025-01-21. Review status: criteria provided, single submitter. Criteria: Ambry Variant Classification Scheme 2023. Collection method: clinical testing. Allele origin: germline.

GeneDx
Classification: Uncertain significance. Last evaluated: 2024-12-17. Review status: criteria provided, single submitter. Criteria: GeneDx Variant Classification Process June 2021. Collection method: clinical testing. Allele origin: germline. Affected: yes.
Comment: In silico analysis indicates that this missense variant does not alter protein structure/function; Has not been previously published as pathogenic or benign to our knowledge

NM_000395.3(CSF2RB):c.1787C>T (p.Pro596Leu)

Gene: CSF2RB (colony stimulating factor 2 receptor subunit beta; plus strand). Cytogenetic location: 22q12.3.
Variant type: single nucleotide variant.
Coding change: c.1787C>T on transcript NM_000395.3 (MANE Select); coding-DNA position 1787, C replaced by T.
Protein change: p.Pro596Leu; replaces proline 596 with leucine.
Molecular consequence: missense variant.
Genome position (GRCh38, 1-based): chr22:36,937,595, C>T. VCF-style: chr22-36937595-C-T. GRCh37 (hg19) VCF-style: chr22-37333637-C-T.
Other names: c.1805C>T, p.Pro602Leu (NM_001410827.1); c.1787C>T (NM_000395.2); short protein forms P602L, P596L.
Identifiers: ClinVar variation 2168882 (VCV002168882.6), dbSNP rs183147496, ClinGen allele CA10213978.